The following is an entry in ClinVar:

ClinVar aggregate classification (germline): Uncertain significance (1 of 4 stars; one submission).

Conditions:
Polyglandular autoimmune syndrome, type 1 (APS1). Also called: Autoimmune polyendocrine syndrome type 1; PGA I; Autoimmune polyendocrinopathy syndrome, type I; APS I; HYPOADRENOCORTICISM WITH HYPOPARATHYROIDISM AND SUPERFICIAL MONILIASIS; AUTOIMMUNE POLYENDOCRINE SYNDROME, TYPE I, WITH OR WITHOUT REVERSIBLE METAPHYSEAL DYSPLASIA. Identifiers: Orphanet 3453, MedGen C0085859, MONDO:0009411, OMIM 240300.

Allele frequency attached by ClinVar (database versions not stated): gnomAD exomes below 0.00001.
gnomAD v4.1: 1 of 1,576,990 alleles (0.000063%); highest among the groups gnomAD compares: Non-Finnish European, 0.000086%; no homozygotes.

Submission:

Labcorp Genetics (formerly Invitae), Labcorp
Classification: Uncertain significance for Polyglandular autoimmune syndrome, type 1. Last evaluated: 2023-12-07. Review status: criteria provided, single submitter. Criteria: Invitae Variant Classification Sherloc (09022015). Collection method: clinical testing. Allele origin: germline.
Comment: This sequence change replaces cysteine, which is neutral and slightly polar, with tyrosine, which is neutral and polar, at codon 472 of the AIRE protein (p.Cys472Tyr). This variant is not present in population databases (gnomAD no frequency). This variant has not been reported in the literature in individuals affected with AIRE-related conditions. ClinVar contains an entry for this variant (Variation ID: 1977736). Advanced modeling of protein sequence and biophysical properties (such as structural, functional, and spatial information, amino acid conservation, physicochemical variation, residue mobility, and thermodynamic stability) has been performed at Invitae for this missense variant, however the output from this modeling did not meet the statistical confidence thresholds required to predict the impact of this variant on AIRE protein function. In summary, the available evidence is currently insufficient to determine the role of this variant in disease. Therefore, it has been classified as a Variant of Uncertain Significance.

NM_000383.4(AIRE):c.1415G>A (p.Cys472Tyr)

Gene: AIRE (autoimmune regulator; plus strand). Cytogenetic location: 21q22.3.
Variant type: single nucleotide variant.
Coding change: c.1415G>A on transcript NM_000383.4 (MANE Select); coding-DNA position 1415, G replaced by A.
Protein change: p.Cys472Tyr; replaces cysteine 472 with tyrosine.
Molecular consequence: missense variant.
Genome position (GRCh38, 1-based): chr21:44,294,415, G>A. VCF-style: chr21-44294415-G-A. GRCh37 (hg19) VCF-style: chr21-45714298-G-A.
Other names: short protein forms C472Y.
Identifiers: ClinVar variation 1977736 (VCV001977736.5), dbSNP rs1369334124, ClinGen allele CA410425875.